The following is an entry in ClinVar:

ClinVar aggregate classification (germline): Uncertain significance (1 of 4 stars; one submission).

Allele frequency attached by ClinVar (database versions not stated): gnomAD exomes below 0.00001.
gnomAD v4.1: 2 of 1,614,134 alleles (0.00012%); highest among the groups gnomAD compares: South Asian, 0.0011%; no homozygotes.

Submission:

Labcorp Genetics (formerly Invitae), Labcorp
Classification: Uncertain significance. Last evaluated: 2022-12-15. Review status: criteria provided, single submitter. Criteria: Invitae Variant Classification Sherloc (09022015). Collection method: clinical testing. Allele origin: germline.
Comment: In summary, the available evidence is currently insufficient to determine the role of this variant in disease. Therefore, it has been classified as a Variant of Uncertain Significance. Advanced modeling of protein sequence and biophysical properties (such as structural, functional, and spatial information, amino acid conservation, physicochemical variation, residue mobility, and thermodynamic stability) performed at Invitae indicates that this missense variant is not expected to disrupt ELOVL4 protein function. ClinVar contains an entry for this variant (Variation ID: 1461885). This variant has not been reported in the literature in individuals affected with ELOVL4-related conditions. This variant is present in population databases (no rsID available, gnomAD 0.003%). This sequence change replaces lysine, which is basic and polar, with arginine, which is basic and polar, at codon 245 of the ELOVL4 protein (p.Lys245Arg).

NM_022726.4(ELOVL4):c.734A>G (p.Lys245Arg)

Gene: ELOVL4 (ELOVL fatty acid elongase 4; minus strand). Cytogenetic location: 6q14.1.
Variant type: single nucleotide variant.
Coding change: c.734A>G on transcript NM_022726.4 (MANE Select); coding-DNA position 734, A replaced by G.
Protein change: p.Lys245Arg; replaces lysine 245 with arginine.
Molecular consequence: missense variant.
Genome position (GRCh38, 1-based): chr6:79,916,819, T>C on the plus strand (A>G on the coding strand, the complement: ELOVL4 is on the minus strand). VCF-style: chr6-79916819-T-C. GRCh37 (hg19) VCF-style: chr6-80626536-T-C.
Other names: short protein forms K245R.
Identifiers: ClinVar variation 1461885 (VCV001461885.8), dbSNP rs1476015565, ClinGen allele CA364655969.